The following is an entry in ClinVar:

NM_000157.4(GBA1):c.528C>T (p.Asp176=)

Genes: GBA1 (glucosylceramidase beta 1; minus strand), LOC106627981 (GBA recombination region; plus strand). Cytogenetic location: 1q22.
Variant type: single nucleotide variant.
Coding change: c.528C>T on transcript NM_000157.4 (MANE Select); coding-DNA position 528, C replaced by T.
Protein change: p.Asp176=; no amino-acid change (aspartic acid 176 retained).
Molecular consequence: synonymous variant.
Genome position (GRCh38, 1-based): chr1:155,238,577, G>A on the plus strand (C>T on the coding strand, the complement: GBA1 is on the minus strand). VCF-style: chr1-155238577-G-A. GRCh37 (hg19) VCF-style: chr1-155208368-G-A.
Other names: NP_000148.2:p.(D176=); c.528C>T, p.Asp176= (NM_001005741.3, NM_001005742.3); c.267C>T, p.Asp89= (NM_001171811.2); c.381C>T, p.Asp127= (NM_001171812.2).
Identifiers: ClinVar variation 4075430 (VCV004075430.1).

ClinVar aggregate classification (germline): Likely benign (0 of 4 stars; one submission).

Conditions:
Gaucher disease type I (GD1). Also called: GD 1; Gaucher's disease, type 1; Type 1 Gaucher Disease; ACID BETA-GLUCOSIDASE DEFICIENCY; GAUCHER DISEASE, NONCEREBRAL JUVENILE; GBA DEFICIENCY. Identifiers: Orphanet 355, Orphanet 77259, MedGen C1961835, MONDO:0009265, OMIM 230800.

Submission:

Laboratório Nacional de Células Tronco Embrionárias, Instituto de Biociencias - Universidade de Sao Paulo
Classification: Likely benign for Gaucher disease type I. Last evaluated: 2025-06-24. Review status: no assertion criteria provided. Collection method: research. Allele origin: inherited. Inheritance: Autosomal recessive inheritance. Affected: yes. Observed: 1 variant allele.
Comment: Silent mutation - NP_000148.2:p.(D176=) - detected and described in Rozenberg et al., 2006 (doi:10.1016/j.bcmd.2006.09.004). This synonymous variant does not alter the amino acid sequence. Based on these data and established disease mechanisms for GBA1, we classified it as likely benign.

Literature cited by the submitters: DOI 10.1016/j.bcmd.2006.09.004.